The following is an entry in ClinVar:

ClinVar aggregate classification (germline): Likely pathogenic (1 of 4 stars; one submission).

Submission:

Labcorp Genetics (formerly Invitae), Labcorp
Classification: Likely pathogenic. Last evaluated: 2020-01-22. Review status: criteria provided, single submitter. Criteria: Invitae Variant Classification Sherloc (09022015). Collection method: clinical testing. Allele origin: germline.
Comment: This variant is a sub-genic deletion of the genomic region encompassing exon 21 of the PHEX gene. While this deletion is not anticipated to result in nonsense mediated decay, it is expected to create a truncated protein product. This variant has been observed in individual(s) with hypophosphatemia (Invitae). This variant disrupts the p.Cys693 amino acid residue in PHEX. Other variant(s) that disrupt this residue have been determined to be pathogenic (PMID: 10737991, 30682568, Invitae). This suggests that this residue is clinically significant, and that variants that disrupt this residue are likely to be disease-causing. In summary, the currently available evidence indicates that the variant is pathogenic, but additional data are needed to prove that conclusively. Therefore, this variant has been classified as Likely Pathogenic.

Literature cited by the submitters: PubMed 10737991; PubMed 30682568.

NC_000023.10:g.(?_22263450)_(22263526_?)del

Gene: PHEX (phosphate regulating endopeptidase X-linked; plus strand). Cytogenetic location: Xp22.11.
Variant type: Deletion.
Identifiers: ClinVar variation 1067915 (VCV001067915.1).